The following is an entry in ClinVar:

ClinVar aggregate classification (germline): Pathogenic (1 of 4 stars; one submission).

Submission:

GeneDx
Classification: Pathogenic. Last evaluated: 2024-06-06. Review status: criteria provided, single submitter. Criteria: GeneDx Variant Classification Process June 2021. Collection method: clinical testing. Allele origin: germline. Affected: yes.
Comment: Nonsense variant predicted to result in protein truncation or nonsense mediated decay in a gene for which loss-of-function is a known mechanism of disease; Not observed at significant frequency in large population cohorts (gnomAD); Has not been previously published as pathogenic or benign to our knowledge

NM_001020658.2(PUM1):c.3202C>T (p.Arg1068Ter)

Gene: PUM1 (pumilio RNA binding family member 1; minus strand). Cytogenetic location: 1p35.2.
Variant type: single nucleotide variant.
Coding change: c.3202C>T on transcript NM_001020658.2 (MANE Select); coding-DNA position 3202, C replaced by T.
Protein change: p.Arg1068Ter; replaces arginine 1068 with a stop codon.
Molecular consequence: nonsense.
Genome position (GRCh38, 1-based): chr1:30,941,191, G>A on the plus strand (C>T on the coding strand, the complement: PUM1 is on the minus strand). VCF-style: chr1-30941191-G-A. GRCh37 (hg19) VCF-style: chr1-31414038-G-A.
Other names: c.3196C>T, p.Arg1066Ter (NM_014676.3); short protein forms R1066*, R1068*.
Identifiers: ClinVar variation 3384363 (VCV003384363.1).
Genomic context (GRCh38, chr1:30,941,191, plus strand): 5'-TTGTAACTCAAAGCACGTACCTTGCAAATTTGTGCTGACTCAATACAAGTACATTGCCTC[G>A]GATTTCTGCTACAATTTTGCTTTTATCCTCAGGACGACCGTGCTCCAGTACATGTTGGAT-3'